The following is an entry in ClinVar:

ClinVar aggregate classification (germline): Uncertain significance (1 of 4 stars; one submission).

Conditions:
Familial acute necrotizing encephalopathy (IIAE3). Also called: ENCEPHALOPATHY, ACUTE, INFECTION-INDUCED, SUSCEPTIBILITY TO, 3; Susceptibility to Acute Necrotizing Encephalopathy 1. Identifiers: Orphanet 88619, MedGen C2675556, MONDO:0011953, OMIM 608033.

Allele frequency attached by ClinVar (database versions not stated): gnomAD exomes below 0.00001; TOPMed below 0.00001.
gnomAD v4.1: 2 of 1,613,994 alleles (0.00012%); highest among the groups gnomAD compares: African/African-American, 0.0013%; no homozygotes.

Submission:

Labcorp Genetics (formerly Invitae), Labcorp
Classification: Uncertain significance for Familial acute necrotizing encephalopathy. Last evaluated: 2022-03-19. Review status: criteria provided, single submitter. Criteria: Invitae Variant Classification Sherloc (09022015). Collection method: clinical testing. Allele origin: germline.
Comment: The frequency data for this variant in the population databases is considered unreliable, as metrics indicate poor data quality at this position in the gnomAD database. This sequence change replaces threonine, which is neutral and polar, with isoleucine, which is neutral and non-polar, at codon 1517 of the RANBP2 protein (p.Thr1517Ile). This variant has not been reported in the literature in individuals affected with RANBP2-related conditions. In summary, the available evidence is currently insufficient to determine the role of this variant in disease. Therefore, it has been classified as a Variant of Uncertain Significance. Algorithms developed to predict the effect of missense changes on protein structure and function are either unavailable or do not agree on the potential impact of this missense change (SIFT: "Deleterious"; PolyPhen-2: "Benign"; Align-GVGD: "Class C0"). ClinVar contains an entry for this variant (Variation ID: 1013730).

NM_006267.5(RANBP2):c.4550C>T (p.Thr1517Ile)

Gene: RANBP2 (RAN binding protein 2; plus strand). Cytogenetic location: 2q13.
Variant type: single nucleotide variant.
Coding change: c.4550C>T on transcript NM_006267.5 (MANE Select); coding-DNA position 4550, C replaced by T.
Protein change: p.Thr1517Ile; replaces threonine 1517 with isoleucine.
Molecular consequence: missense variant.
Genome position (GRCh38, 1-based): chr2:108,765,089, C>T. VCF-style: chr2-108765089-C-T. GRCh37 (hg19) VCF-style: chr2-109381545-C-T.
Other names: short protein forms T1517I.
Identifiers: ClinVar variation 1013730 (VCV001013730.9), dbSNP rs1484293010, ClinGen allele CA348067808.